The following is an entry in ClinVar:

NM_001142800.2(EYS):c.8279G>A (p.Arg2760His)

Genes: EYS (EGF-like photoreceptor maintenance factor; minus strand), PHF3 (PHD finger protein 3; plus strand). Cytogenetic location: 6q12.
Variant type: single nucleotide variant.
Coding change: c.8279G>A on transcript NM_001142800.2 (MANE Select); coding-DNA position 8279, G replaced by A.
Protein change: p.Arg2760His; replaces arginine 2760 with histidine.
Molecular consequence: missense variant. On other transcripts: 3 prime UTR variant (5).
Genome position (GRCh38, 1-based): chr6:63,721,752, C>T on the plus strand (G>A on the coding strand, the complement: EYS is on the minus strand). VCF-style: chr6-63721752-C-T. GRCh37 (hg19) VCF-style: chr6-64431648-C-T.
Other names: c.*8044C>T (NM_001290259.2, NM_001370348.2, NM_001370349.2 and 2 more transcripts); c.8342G>A, p.Arg2781His (NM_001292009.2); short protein forms R2760H, R2781H.
Identifiers: ClinVar variation 1349628 (VCV001349628.8), dbSNP rs772060050, ClinGen allele CA3876714.
Genomic context (GRCh38, chr6:63,721,752, plus strand): 5'-CCGTTTATAGTTACTTTTTGGAGAGTTTCTAGAATGATAGTTCTGTCGCCAAGGTTGTAG[C>T]GAAGTTGAACGGAACTATTTACTAAAGAGATGCATAAAAAATCACCTGCAAGAAAGCAAA-3'
Protein context (NP_001136272.1, residues 2750-2770): ISLVNSSVQL[Arg2760His]YNLGDRTIIL

ClinVar aggregate classification (germline): Uncertain significance. Review status: criteria provided, multiple submitters, no conflicts (2 of 4 stars). 4 submissions from 4 submitters: Uncertain significance (4). Last evaluated 2025-10-21.

Conditions:
Inborn genetic diseases. Identifiers: MedGen C0950123, MeSH D030342.

Allele frequency attached by ClinVar (database versions not stated): gnomAD exomes 0.00001 and 0.00003; ExAC 0.00005.
gnomAD v4.1: 11 of 1,550,894 alleles (0.00071%); highest among the groups gnomAD compares: South Asian, 0.006%; no homozygotes.

Submissions (4):

Women's Health and Genetics/Laboratory Corporation of America, LabCorp
Classification: Uncertain significance. Last evaluated: 2025-10-21. Review status: criteria provided, single submitter. Criteria: LabCorp Variant Classification Summary - May 2015. Collection method: clinical testing. Allele origin: germline.
Comment: Variant summary: EYS c.8279G>A (p.Arg2760His) results in a non-conservative amino acid change in the encoded protein sequence. Algorithms developed to predict the effect of missense changes on protein structure and function are either unavailable or do not agree on the potential impact of this missense change. The variant allele was found at a frequency of 3.2e-05 in 156688 control chromosomes. The available data on variant occurrences in the general population are insufficient to allow any conclusion about variant significance. To our knowledge, no occurrence of c.8279G>A in individuals affected with EYS-related conditions and no experimental evidence demonstrating its impact on protein function have been reported. ClinVar contains an entry for this variant (Variation ID: 1349628). Based on the evidence outlined above, the variant was classified as uncertain significance.

Blueprint Genetics
Classification: Uncertain significance. Last evaluated: 2023-02-03. Review status: criteria provided, single submitter. Criteria: ACMG Guidelines, 2015. Collection method: clinical testing. Allele origin: germline.

Ambry Genetics
Classification: Uncertain significance for Inborn genetic diseases. Last evaluated: 2022-07-27. Review status: criteria provided, single submitter. Criteria: Ambry Variant Classification Scheme 2023. Collection method: clinical testing. Allele origin: germline.

Labcorp Genetics (formerly Invitae), Labcorp
Classification: Uncertain significance. Last evaluated: 2021-08-24. Review status: criteria provided, single submitter. Criteria: Invitae Variant Classification Sherloc (09022015). Collection method: clinical testing. Allele origin: germline.
Comment: This sequence change replaces arginine with histidine at codon 2760 of the EYS protein (p.Arg2760His). The arginine residue is highly conserved and there is a small physicochemical difference between arginine and histidine. This variant is present in population databases (rs772060050, ExAC 0.01%). This variant has not been reported in the literature in individuals affected with EYS-related conditions. Algorithms developed to predict the effect of missense changes on protein structure and function output the following: SIFT: "Deleterious"; PolyPhen-2: "Probably Damaging"; Align-GVGD: "Class C0". The histidine amino acid residue is found in multiple mammalian species, which suggests that this missense change does not adversely affect protein function. In summary, the available evidence is currently insufficient to determine the role of this variant in disease. Therefore, it has been classified as a Variant of Uncertain Significance.